The following is an entry in ClinVar:

NM_016401.4(HIKESHI):c.319T>A (p.Ser107Thr)

Gene: HIKESHI (heat shock protein nuclear import factor hikeshi; plus strand). Cytogenetic location: 11q14.2.
Variant type: single nucleotide variant.
Coding change: c.319T>A on transcript NM_016401.4 (MANE Select); coding-DNA position 319, T replaced by A.
Protein change: p.Ser107Thr; replaces serine 107 with threonine.
Molecular consequence: missense variant. On other transcripts: non-coding transcript variant (3).
Genome position (GRCh38, 1-based): chr11:86,337,429, T>A. VCF-style: chr11-86337429-T-A. GRCh37 (hg19) VCF-style: chr11-86048471-T-A.
Other names: c.319T>A, p.Ser107Thr (NM_001322404.2); c.202T>A, p.Ser68Thr (NM_001322407.2, NM_001322409.2); short protein forms S107T, S68T.
Identifiers: ClinVar variation 1500572 (VCV001500572.6), dbSNP rs777945437, ClinGen allele CA6216720.

ClinVar aggregate classification (germline): Uncertain significance (1 of 4 stars; one submission).

Allele frequency attached by ClinVar (database versions not stated): gnomAD exomes below 0.00001 and 0.00001; ExAC 0.00001; gnomAD 0.00001; TOPMed 0.00001.
gnomAD v4.1: 6 of 1,613,954 alleles (0.00037%); highest among the groups gnomAD compares: Admixed American, 0.0017%; no homozygotes.

Submission:

Labcorp Genetics (formerly Invitae), Labcorp
Classification: Uncertain significance. Last evaluated: 2023-09-13. Review status: criteria provided, single submitter. Criteria: Invitae Variant Classification Sherloc (09022015). Collection method: clinical testing. Allele origin: germline.
Comment: In summary, the available evidence is currently insufficient to determine the role of this variant in disease. Therefore, it has been classified as a Variant of Uncertain Significance. Algorithms developed to predict the effect of missense changes on protein structure and function output the following: SIFT: "Not Available"; PolyPhen-2: "Benign"; Align-GVGD: "Not Available". The threonine amino acid residue is found in multiple mammalian species, which suggests that this missense change does not adversely affect protein function. ClinVar contains an entry for this variant (Variation ID: 1500572). This variant has not been reported in the literature in individuals affected with HIKESHI-related conditions. This variant is present in population databases (rs777945437, gnomAD 0.003%). This sequence change replaces serine, which is neutral and polar, with threonine, which is neutral and polar, at codon 107 of the HIKESHI protein (p.Ser107Thr).